The following is an entry in ClinVar:

NM_007294.4(BRCA1):c.2063_2066del (p.Thr688fs)

Gene: BRCA1 (BRCA1 DNA repair associated; minus strand). Cytogenetic location: 17q21.31.
Variant type: Deletion.
Coding change: c.2063_2066del on transcript NM_007294.4 (MANE Select); coding-DNA positions 2063 to 2066, 4 bases deleted (CAAG; older notation c.2063_2066delCAAG).
Protein change: p.Thr688fs; shifts the reading frame from threonine 688.
Molecular consequence: frameshift variant. On other transcripts: intron variant (137).
Genome position (GRCh38, 1-based): chr17:43,093,465-43,093,468, CTTG deleted on the plus strand (CAAG on the coding strand, the reverse complement: BRCA1 is on the minus strand). VCF-style (leftmost placement, unchanged base first): chr17-43093464-ACTTG-A. GRCh37 (hg19) VCF-style: chr17-41245481-ACTTG-A.
Other names: 2182del4-ter699; c.1559_1562del, p.Thr520fs (NM_001407965.1); c.1175_1178del, p.Thr392fs (NM_001407966.1, NM_001407967.1); c.1922_1925del, p.Thr641fs (NM_007297.4, NM_001407692.1, NM_001407694.1 and 29 more transcripts); c.2063_2066del, p.Thr688fs (NM_007300.4, NM_001407581.1, NM_001407582.1 and 30 more transcripts); c.646+1276_646+1279del (NM_001408458.1, NM_001408469.1, NM_001408453.1 and 11 more transcripts); c.283+1276_283+1279del (NM_001408512.1); c.406+1276_406+1279del (NM_001408510.1); and 41 more; short protein forms T688fs, T641fs, T392fs, T577fs, T600fs, T687fs, T561fs, T617fs.
Identifiers: ClinVar variation 54449 (VCV000054449.7), dbSNP rs397508935, ClinGen allele CA001365.

ClinVar aggregate classification (germline): Pathogenic. Review status: reviewed by expert panel (3 of 4 stars). 2 submissions from 2 submitters: Pathogenic (1). 1 of the submissions does not count toward it. Last evaluated 2016-10-18.

Conditions:
Breast-ovarian cancer, familial, susceptibility to, 1 (BROVCA1). Also called: OVARIAN CANCER, SUSCEPTIBILITY TO; BRCA1 Hereditary Breast and Ovarian Cancer. Identifiers: Orphanet 145, MedGen C2676676, MONDO:0011450, OMIM 604370. Disease mechanism: loss of function.

Submissions (2):

Evidence-based Network for the Interpretation of Germline Mutant Alleles (ENIGMA)
Classification: Pathogenic for Breast-ovarian cancer, familial, susceptibility to, 1. Last evaluated: 2016-10-18. Review status: reviewed by expert panel. Criteria: ENIGMA BRCA1/2 Classification Criteria (2015). Collection method: curation. Allele origin: germline.
Comment: Variant allele predicted to encode a truncated non-functional protein.

Consortium of Investigators of Modifiers of BRCA1/2 (CIMBA), c/o University of Cambridge
Classification: Pathogenic for Breast-ovarian cancer, familial, susceptibility to, 1. Last evaluated: 2015-10-02. Review status: criteria provided, single submitter. Criteria: CIMBA Mutation Classification guidelines May 2016. Collection method: clinical testing. Allele origin: germline. Not counted in ClinVar's aggregate classification.